The following is an entry in ClinVar:

ClinVar aggregate classification (germline): Uncertain significance. Review status: criteria provided, multiple submitters, no conflicts (2 of 4 stars). 2 submissions from 2 submitters: Uncertain significance (2). Last evaluated 2025-01-16.

Conditions:
Intellectual disability, autosomal recessive 53 (NEDHSCA). Also called: GLYCOSYLPHOSPHATIDYLINOSITOL BIOSYNTHESIS DEFECT 13; Mental retardation, autosomal recessive 53; NEURODEVELOPMENTAL DISORDER WITH OR WITHOUT HYPOTONIA, SEIZURES, AND CEREBELLAR ATROPHY. Identifiers: Orphanet 488635, MedGen C4310794, MONDO:0014832, OMIM 616917.

Allele frequency attached by ClinVar (database versions not stated): gnomAD exomes 0.00001; TOPMed 0.00001; gnomAD 0.00002.

Submissions (2):

GeneDx
Classification: Uncertain significance. Last evaluated: 2025-01-16. Review status: criteria provided, single submitter. Criteria: GeneDx Variant Classification Process June 2021. Collection method: clinical testing. Allele origin: germline.
Comment: Not observed at significant frequency in large population cohorts (gnomAD); Has not been previously published as pathogenic or benign to our knowledge; Frameshift variant predicted to result in abnormal protein length as the last 21 amino acid(s) are replaced with 24 different amino acid(s) with an unclear effect on protein function

Labcorp Genetics (formerly Invitae), Labcorp
Classification: Uncertain significance for Intellectual disability, autosomal recessive 53. Last evaluated: 2024-07-01. Review status: criteria provided, single submitter. Criteria: Invitae Variant Classification Sherloc (09022015). Collection method: clinical testing. Allele origin: germline.
Comment: This sequence change results in a frameshift in the PIGG gene (p.Leu963Serfs*25). While this is not anticipated to result in nonsense mediated decay, it is expected to disrupt the last 21 amino acid(s) of the PIGG protein and extend the protein by 3 additional amino acid residues. This variant is present in population databases (no rsID available, gnomAD 0.01%). This variant has not been reported in the literature in individuals affected with PIGG-related conditions. ClinVar contains an entry for this variant (Variation ID: 1443004). In summary, the available evidence is currently insufficient to determine the role of this variant in disease. Therefore, it has been classified as a Variant of Uncertain Significance.

NM_001127178.3(PIGG):c.2886del (p.Leu963fs)

Gene: PIGG (phosphatidylinositol glycan anchor biosynthesis class G (EMM blood group); plus strand). Cytogenetic location: 4p16.3.
Variant type: Deletion.
Coding change: c.2886del on transcript NM_001127178.3 (MANE Select); coding-DNA position 2886, one base deleted (G; older notation c.2886delG).
Protein change: p.Leu963fs; shifts the reading frame from leucine 963.
Molecular consequence: frameshift variant. On other transcripts: non-coding transcript variant (10).
Genome position (GRCh38, 1-based): chr4:539,303, G deleted. VCF-style (leftmost placement, unchanged base first): chr4-539302-TG-T. GRCh37 (hg19) VCF-style: chr4-533091-TG-T.
Other names: c.2886del (NM_001127178.2); c.2619del, p.Leu874fs (NM_001289051.2, NM_001345986.2); c.2487del, p.Leu830fs (NM_001289052.2); c.2595del, p.Leu866fs (NM_001345987.2); c.1857del, p.Leu620fs (NM_001345988.2); c.1353del, p.Leu452fs (NM_001345990.2, NM_001345991.2); c.1788del, p.Leu597fs (NM_001345994.2); c.2862del, p.Leu955fs (NM_017733.5); short protein forms L830fs, L874fs, L963fs, L452fs, L597fs, L866fs, L620fs, L955fs.
Identifiers: ClinVar variation 1443004 (VCV001443004.7), dbSNP rs1395740921, ClinGen allele CA437899617.